The following is an entry in ClinVar:

ClinVar aggregate classification (germline): Benign. Review status: criteria provided, multiple submitters, no conflicts (2 of 4 stars). 2 submissions from 2 submitters: Benign (2). Last evaluated 2018-06-14.

Allele frequency attached by ClinVar (database versions not stated): 1000 Genomes Project 0.27716; gnomAD exomes 0.27513; TOPMed 0.23942; 1000 Genomes Project 30x 0.27108.

Submissions (2):

GeneDx
Classification: Benign. Last evaluated: 2018-06-14. Review status: criteria provided, single submitter. Criteria: GeneDx Variant Classification (06012015). Collection method: clinical testing. Allele origin: germline. Affected: yes.
Comment: This variant is considered likely benign or benign based on one or more of the following criteria: it is a conservative change, it occurs at a poorly conserved position in the protein, it is predicted to be benign by multiple in silico algorithms, and/or has population frequency not consistent with disease.

Breakthrough Genomics
Classification: Benign. Review status: criteria provided, single submitter. Criteria: ACMG Guidelines, 2015. Collection method: not provided. Allele origin: germline. Inheritance: Autosomal recessive inheritance. Affected: yes.

NM_004722.3(AP4M1):c.-169A>T

Gene: AP4M1 (adaptor related protein complex 4 subunit mu 1; plus strand). Cytogenetic location: 7q22.1.
Variant type: single nucleotide variant.
Coding change: c.-169A>T on transcript NM_004722.3; 169 bases upstream of the start codon, A replaced by T.
Molecular consequence: intron variant (on NM_001438825.1).
Genome position (GRCh38, 1-based): chr7:100,101,546, A>T. VCF-style: chr7-100101546-A-T. GRCh37 (hg19) VCF-style: chr7-99699169-A-T.
Other names: c.-8+50A>T (NM_001438825.1); c.-7-162A>T (NM_001438824.1, NM_001438826.1).
Identifiers: ClinVar variation 680067 (VCV000680067.4), dbSNP rs1534310, ClinGen allele CA163211922.